The following is an entry in ClinVar:

ClinVar aggregate classification (germline): Uncertain significance. Review status: criteria provided, multiple submitters, no conflicts (2 of 4 stars). 2 submissions from 2 submitters: Uncertain significance (2). Last evaluated 2025-09-08.

Conditions:
Autosomal dominant limb-girdle muscular dystrophy type 1D (DNAJB6) (LGMDD1). Also called: MUSCULAR DYSTROPHY, LIMB-GIRDLE, TYPE 1D; Autosomal dominant limb-girdle muscular dystrophy type 1D; Muscular dystrophy, limb-girdle, autosomal dominant 1; MUSCULAR DYSTROPHY, AUTOSOMAL DOMINANT, WITH RIMMED VACUOLES. Identifiers: Orphanet 34516, MedGen C4721885, MONDO:0021018, OMIM 603511.

Submissions (2):

Labcorp Genetics (formerly Invitae), Labcorp
Classification: Uncertain significance for Autosomal dominant limb-girdle muscular dystrophy type 1D (DNAJB6). Last evaluated: 2025-09-08. Review status: criteria provided, single submitter. Criteria: Invitae Variant Classification Sherloc (09022015). Collection method: clinical testing. Allele origin: germline.
Comment: This variant, c.366_368del, results in the deletion of 1 amino acid(s) of the DNAJB6 protein (p.Phe123del), but otherwise preserves the integrity of the reading frame. This variant is present in population databases (no rsID available, gnomAD 0.007%). This variant has not been reported in the literature in individuals affected with DNAJB6-related conditions. Experimental studies and prediction algorithms are not available or were not evaluated, and the functional significance of this variant is currently unknown. In summary, the available evidence is currently insufficient to determine the role of this variant in disease. Therefore, it has been classified as a Variant of Uncertain Significance.

Eurofins Ntd Llc (ga)
Classification: Uncertain significance. Last evaluated: 2017-12-01. Review status: criteria provided, single submitter. Criteria: EGL Classification Definitions 2015. Collection method: clinical testing. Allele origin: germline. Observed: 1 variant allele, 1 heterozygote.

NM_058246.4(DNAJB6):c.363CTT[1] (p.Phe123del)

Gene: DNAJB6 (DnaJ heat shock protein family (Hsp40) member B6; plus strand). Cytogenetic location: 7q36.3.
Variant type: Microsatellite.
Coding change: c.363CTT[1] on transcript NM_058246.4 (MANE Select); one copy of the 3-base unit CTT starting at c.363; the reference has two copies in a row; one copy, 3 bases deleted.
Protein change: p.Phe123del; deletes phenylalanine 123.
Molecular consequence: inframe deletion. On other transcripts: intron variant (1).
Genome position (GRCh38, 1-based): chr7:157,382,265-157,382,267, CTT deleted; deleting any 3 consecutive bases within chr7:157,382,262-157,382,267 gives the same sequence; the position shown is the placement nearest the transcript's 3' end. VCF-style (leftmost placement, unchanged base first): chr7-157382261-ACTT-A. GRCh37 (hg19) VCF-style: chr7-157174955-ACTT-A.
Other names: c.363CTT[1], p.Phe123del (NM_005494.3); c.346+14782_346+14784del (NM_001363676.1); short protein forms F123del.
Identifiers: ClinVar variation 595118 (VCV000595118.7), dbSNP rs1563136940, ClinGen allele CA579112162.